The following is an entry in ClinVar:

ClinVar aggregate classification (germline): Likely benign (1 of 4 stars; one submission).

gnomAD v4.1: 2 of 1,201,564 alleles (0.00017%); highest among the groups gnomAD compares: Admixed American, 0.0045%; no homozygotes.

Submission:

CeGaT Center for Human Genetics Tuebingen
Classification: Likely benign. Last evaluated: 2026-08-01. Review status: criteria provided, single submitter. Criteria: CeGaT Center For Human Genetics Tuebingen Variant Classification Criteria Version 2. Collection method: clinical testing. Allele origin: germline. Affected: yes. Observed: 1 variant allele.
Comment: PPP1R3F: BP4, BP7

NM_033215.5(PPP1R3F):c.2067T>G (p.Ser689=)

Gene: PPP1R3F (protein phosphatase 1 regulatory subunit 3F; plus strand). Cytogenetic location: Xp11.23.
Variant type: single nucleotide variant.
Coding change: c.2067T>G on transcript NM_033215.5 (MANE Select); coding-DNA position 2067, T replaced by G.
Protein change: p.Ser689=; no amino-acid change (serine 689 retained).
Molecular consequence: synonymous variant.
Genome position (GRCh38, 1-based): chrX:49,286,757, T>G. VCF-style: chrX-49286757-T-G. GRCh37 (hg19) VCF-style: chrX-49143219-T-G.
Other names: c.1029T>G, p.Ser343= (NM_001184745.2).
Identifiers: ClinVar variation 5038759 (VCV005038759.1).